The following is an entry in ClinVar:

ClinVar aggregate classification (germline): Uncertain significance. Review status: criteria provided, multiple submitters, no conflicts (2 of 4 stars). 2 submissions from 2 submitters: Uncertain significance (2). Last evaluated 2025-04-22.

Conditions:
KCNA1-related disorder. Also called: KCNA1-related condition; KCNA1-related disorders.

Submissions (2):

PreventionGenetics, part of Exact Sciences
Classification: Uncertain significance for KCNA1-related condition. Last evaluated: 2025-04-22. Review status: criteria provided, single submitter. Criteria: ACMG Guidelines, 2015. Collection method: clinical testing. Allele origin: germline.
Comment: The KCNA1 c.375G>C variant is predicted to result in the amino acid substitution p.Glu125Asp. To our knowledge, this variant has not been reported in the literature or in a large population database (gnomAD), indicating this variant is rare. At this time, the clinical significance of this variant is uncertain due to the absence of conclusive functional and genetic evidence.

Blueprint Genetics
Classification: Uncertain significance. Last evaluated: 2020-08-04. Review status: criteria provided, single submitter. Criteria: ACMG Guidelines, 2015. Collection method: clinical testing. Allele origin: germline.

NM_000217.3(KCNA1):c.375G>C (p.Glu125Asp)

Gene: KCNA1 (potassium voltage-gated channel subfamily A member 1; plus strand). Cytogenetic location: 12p13.32.
Variant type: single nucleotide variant.
Coding change: c.375G>C on transcript NM_000217.3 (MANE Select); coding-DNA position 375, G replaced by C.
Protein change: p.Glu125Asp; replaces glutamic acid 125 with aspartic acid.
Molecular consequence: missense variant.
Genome position (GRCh38, 1-based): chr12:4,911,753, G>C. VCF-style: chr12-4911753-G-C. GRCh37 (hg19) VCF-style: chr12-5020919-G-C.
Other names: c.375G>C (NM_000217.2); short protein forms E125D.
Identifiers: ClinVar variation 4915174 (VCV004915174.2).